The following is an entry in ClinVar:

NM_022089.4(ATP13A2):c.902G>C (p.Gly301Ala)

Gene: ATP13A2 (ATPase cation transporting 13A2; minus strand). Cytogenetic location: 1p36.13.
Variant type: single nucleotide variant.
Coding change: c.902G>C on transcript NM_022089.4 (MANE Select); coding-DNA position 902, G replaced by C.
Protein change: p.Gly301Ala; replaces glycine 301 with alanine.
Molecular consequence: missense variant.
Genome position (GRCh38, 1-based): chr1:17,000,251, C>G on the plus strand (G>C on the coding strand, the complement: ATP13A2 is on the minus strand). VCF-style: chr1-17000251-C-G. GRCh37 (hg19) VCF-style: chr1-17326746-C-G.
Other names: c.887G>C, p.Gly296Ala (NM_001141973.3, NM_001141974.3); short protein forms G301A, G296A.
Identifiers: ClinVar variation 588514 (VCV000588514.5), dbSNP rs1044203058, ClinGen allele CA338257476.

ClinVar aggregate classification (germline): Uncertain significance (1 of 4 stars; one submission).

Conditions:
Inborn genetic diseases. Identifiers: MedGen C0950123, MeSH D030342.

gnomAD v4.1: 1 of 1,566,470 alleles (0.000064%); highest among the groups gnomAD compares: Non-Finnish European, 0.000087%; no homozygotes.

Submission:

Ambry Genetics
Classification: Uncertain significance for Inborn genetic diseases. Last evaluated: 2019-05-06. Review status: criteria provided, single submitter. Criteria: Ambry Variant Classification Scheme 2023. Collection method: clinical testing. Allele origin: germline.
Comment: The p.G301A variant (also known as c.902G>C), located in coding exon 10 of the ATP13A2 gene, results from a G to C substitution at nucleotide position 902. The glycine at codon 301 is replaced by alanine, an amino acid with similar properties. This amino acid position is not well conserved in available vertebrate species. In addition, this alteration is predicted to be tolerated by in silico analysis. Since supporting evidence is limited at this time, the clinical significance of this variant remains unclear.